The following is an entry in ClinVar:

ClinVar aggregate classification (germline): Uncertain significance (1 of 4 stars; one submission).

Submission:

Labcorp Genetics (formerly Invitae), Labcorp
Classification: Uncertain significance. Last evaluated: 2025-09-12. Review status: criteria provided, single submitter. Criteria: Invitae Variant Classification Sherloc (09022015). Collection method: clinical testing. Allele origin: germline.
Comment: This sequence change falls in intron 30 of the COL4A6 gene. It does not directly change the encoded amino acid sequence of the COL4A6 protein. This variant is not present in population databases (gnomAD no frequency). This variant has not been reported in the literature in individuals affected with COL4A6-related conditions. Algorithms developed to predict the effect of sequence changes on RNA splicing suggest that this variant may disrupt the consensus splice site. In summary, the available evidence is currently insufficient to determine the role of this variant in disease. Therefore, it has been classified as a Variant of Uncertain Significance.

NM_033641.4(COL4A6):c.2956+13G>A

Gene: COL4A6 (collagen type IV alpha 6 chain; minus strand). Cytogenetic location: Xq22.3.
Variant type: single nucleotide variant.
Coding change: c.2956+13G>A on transcript NM_033641.4 (MANE Select); 13 bases into the intron after coding-DNA position 2956, G replaced by A.
Molecular consequence: intron variant.
Genome position (GRCh38, 1-based): chrX:108,175,077, C>T on the plus strand (G>A on the coding strand, the complement: COL4A6 is on the minus strand). VCF-style: chrX-108175077-C-T. GRCh37 (hg19) VCF-style: chrX-107418307-C-T.
Other names: c.2959+13G>A (NM_001847.4, NM_001440759.1); c.2956+13G>A (NM_001287760.2, NM_001287759.2, NM_001440760.1); c.3007+13G>A (NM_001287758.2).
Identifiers: ClinVar variation 4727067 (VCV004727067.1).